The following is an entry in ClinVar:

NM_001376.5(DYNC1H1):c.7474-3T>A

Gene: DYNC1H1 (dynein cytoplasmic 1 heavy chain 1; plus strand). Cytogenetic location: 14q32.31.
Variant type: single nucleotide variant.
Coding change: c.7474-3T>A on transcript NM_001376.5 (MANE Select); 3 bases into the intron before coding-DNA position 7474, T replaced by A.
Molecular consequence: intron variant.
Genome position (GRCh38, 1-based): chr14:102,016,346, T>A. VCF-style: chr14-102016346-T-A. GRCh37 (hg19) VCF-style: chr14-102482683-T-A.
Identifiers: ClinVar variation 2140577 (VCV002140577.4), dbSNP rs1302830082, ClinGen allele CA703173313.

ClinVar aggregate classification (germline): Uncertain significance (1 of 4 stars; one submission).

Conditions:
Charcot-Marie-Tooth disease axonal type 2O. Also called: Charcot-Marie-Tooth disease, axonal, type 20; CHARCOT-MARIE-TOOTH NEUROPATHY, AXONAL, TYPE 2O; CHARCOT-MARIE-TOOTH DISEASE, AXONAL, AUTOSOMAL DOMINANT, TYPE 2O; Charcot-Marie-Tooth Neuropathy Type 2O. Identifiers: Orphanet 284232, MedGen C3280220, MONDO:0013644, OMIM 614228.

Allele frequency attached by ClinVar (database versions not stated): gnomAD exomes below 0.00001; TOPMed below 0.00001; gnomAD 0.00001.
gnomAD v4.1: 3 of 1,614,084 alleles (0.00019%); highest among the groups gnomAD compares: Non-Finnish European, 0.00025%; no homozygotes.

Submission:

Labcorp Genetics (formerly Invitae), Labcorp
Classification: Uncertain significance for Charcot-Marie-Tooth disease axonal type 2O. Last evaluated: 2022-09-23. Review status: criteria provided, single submitter. Criteria: Invitae Variant Classification Sherloc (09022015). Collection method: clinical testing. Allele origin: germline.
Comment: This sequence change falls in intron 36 of the DYNC1H1 gene. It does not directly change the encoded amino acid sequence of the DYNC1H1 protein. It affects a nucleotide within the consensus splice site. This variant is not present in population databases (gnomAD no frequency). This variant has not been reported in the literature in individuals affected with DYNC1H1-related conditions. Variants that disrupt the consensus splice site are a relatively common cause of aberrant splicing (PMID: 17576681, 9536098). Algorithms developed to predict the effect of sequence changes on RNA splicing suggest that this variant may disrupt the consensus splice site. In summary, the available evidence is currently insufficient to determine the role of this variant in disease. Therefore, it has been classified as a Variant of Uncertain Significance.

Literature cited by the submitters: PubMed 17576681; PubMed 9536098.